The following is an entry in ClinVar:

NM_006922.4(SCN3A):c.3992C>A (p.Ala1331Glu)

Gene: SCN3A (sodium voltage-gated channel alpha subunit 3; minus strand). Cytogenetic location: 2q24.3.
Variant type: single nucleotide variant.
Coding change: c.3992C>A on transcript NM_006922.4 (MANE Select); coding-DNA position 3992, C replaced by A.
Protein change: p.Ala1331Glu; replaces alanine 1331 with glutamic acid.
Molecular consequence: missense variant.
Genome position (GRCh38, 1-based): chr2:165,097,499, G>T on the plus strand (C>A on the coding strand, the complement: SCN3A is on the minus strand). VCF-style: chr2-165097499-G-T. GRCh37 (hg19) VCF-style: chr2-165954009-G-T.
Other names: c.3845C>A, p.Ala1282Glu (NM_001081676.2, NM_001081677.2); short protein forms A1282E, A1331E.
Identifiers: ClinVar variation 3900395 (VCV003900395.1).
Genomic context (GRCh38, chr2:165,097,499, plus strand): 5'-ATGCTAAAGATCAACCAGAAGATGAGACAGACCAACAGCACATTCATGATAGAGGGAATT[G>T]CTCCAACAAGAGCATTCACAACCACCTAGAAGAGACAGCGAGGGGAACATAGCTTACAAA-3'
Protein context (NP_008853.3, residues 1321-1341): MRVVVNALVG[Ala1331Glu]IPSIMNVLLV

ClinVar aggregate classification (germline): Uncertain significance (1 of 4 stars; one submission).

Submission:

GeneDx
Classification: Uncertain significance. Last evaluated: 2024-11-18. Review status: criteria provided, single submitter. Criteria: GeneDx Variant Classification Process June 2021. Collection method: clinical testing. Allele origin: germline. Affected: yes.
Comment: Not observed at significant frequency in large population cohorts (gnomAD); In silico analysis supports that this missense variant has a deleterious effect on protein structure/function; Has not been previously published as pathogenic or benign to our knowledge